The following is an entry in ClinVar:

ClinVar aggregate classification (germline): Uncertain significance (1 of 4 stars; one submission).

Conditions:
Primary ciliary dyskinesia. Also called: Ciliary dyskinesia. Identifiers: Orphanet 244, MedGen C0008780, MONDO:0016575, HP:0012265.

Allele frequency attached by ClinVar (database versions not stated): ExAC 0.00001; gnomAD exomes 0.00001.
gnomAD v4.1: 3 of 1,614,254 alleles (0.00019%); highest among the groups gnomAD compares: Admixed American, 0.005%; no homozygotes.

Submission:

Ambry Genetics
Classification: Uncertain significance for Primary ciliary dyskinesia. Last evaluated: 2022-11-23. Review status: criteria provided, single submitter. Criteria: Ambry Variant Classification Scheme 2023. Collection method: clinical testing. Allele origin: germline.
Comment: The p.K424E variant (also known as c.1270A>G), located in coding exon 8 of the CCDC40 gene, results from an A to G substitution at nucleotide position 1270. The lysine at codon 424 is replaced by glutamic acid, an amino acid with similar properties. This amino acid position is highly conserved in available vertebrate species. In addition, the in silico prediction for this alteration is inconclusive. Since supporting evidence is limited at this time, the clinical significance of this alteration remains unclear.

NM_017950.4(CCDC40):c.1270A>G (p.Lys424Glu)

Gene: CCDC40 (coiled-coil domain 40 molecular ruler complex subunit; plus strand). Cytogenetic location: 17q25.3.
Variant type: single nucleotide variant.
Coding change: c.1270A>G on transcript NM_017950.4 (MANE Select); coding-DNA position 1270, A replaced by G.
Protein change: p.Lys424Glu; replaces lysine 424 with glutamic acid.
Molecular consequence: missense variant.
Genome position (GRCh38, 1-based): chr17:80,058,604, A>G. VCF-style: chr17-80058604-A-G. GRCh37 (hg19) VCF-style: chr17-78032403-A-G.
Other names: c.1270A>G, p.Lys424Glu (NM_001243342.2, NM_001330508.2); short protein forms K424E.
Identifiers: ClinVar variation 2450773 (VCV002450773.2), dbSNP rs759444068, ClinGen allele CA8813757.
Genomic context (GRCh38, chr17:80,058,604, plus strand): 5'-ATGCAGAACATCGACCAGGACATGCGTGACGACATCCGCGTGATGACACAAGTGGTAAAG[A>G]AGGCCGAGACGGAGAGGATCCGGGCAGAAATCGAGAAGAAAAAGCAGGTATTCTGCAAAC-3'
Protein context (NP_060420.2, residues 414-434): DIRVMTQVVK[Lys424Glu]AETERIRAEI